The following is an entry in ClinVar:

ClinVar aggregate classification (germline): Likely benign (1 of 4 stars; one submission).

Submission:

CeGaT Center for Human Genetics Tuebingen
Classification: Likely benign. Last evaluated: 2025-11-01. Review status: criteria provided, single submitter. Criteria: CeGaT Center For Human Genetics Tuebingen Variant Classification Criteria Version 2. Collection method: clinical testing. Allele origin: germline. Affected: yes. Observed: 1 variant allele.
Comment: MBD6: PM2:Supporting, BP4, BP7

NM_052897.4(MBD6):c.531T>C (p.Thr177=)

Gene: MBD6 (methyl-CpG binding domain protein 6; plus strand). Cytogenetic location: 12q13.3.
Variant type: single nucleotide variant.
Coding change: c.531T>C on transcript NM_052897.4 (MANE Select); coding-DNA position 531, T replaced by C.
Protein change: p.Thr177=; no amino-acid change (threonine 177 retained).
Molecular consequence: synonymous variant.
Genome position (GRCh38, 1-based): chr12:57,525,499, T>C. VCF-style: chr12-57525499-T-C. GRCh37 (hg19) VCF-style: chr12-57919282-T-C.
Identifiers: ClinVar variation 4535315 (VCV004535315.6).